The following is an entry in ClinVar:

ClinVar aggregate classification (germline): Likely benign (1 of 4 stars; one submission).

Allele frequency attached by ClinVar (database versions not stated): gnomAD exomes 0.00018; ExAC 0.00021; gnomAD 0.00028 and 0.00031; TOPMed 0.00032; 1000 Genomes Project 0.00040; ESP Exome Variant Server 0.00046; 1000 Genomes Project 30x 0.00047.
gnomAD v4.1: 259 of 1,613,888 alleles (0.016%); highest among the groups gnomAD compares: African/African-American, 0.069%; no homozygotes.

Submission:

CeGaT Center for Human Genetics Tuebingen
Classification: Likely benign. Last evaluated: 2026-02-01. Review status: criteria provided, single submitter. Criteria: CeGaT Center For Human Genetics Tuebingen Variant Classification Criteria Version 2. Collection method: clinical testing. Allele origin: germline. Affected: yes. Observed: 2 variant alleles.
Comment: ZBTB11: BP4, BP7

NM_014415.4(ZBTB11):c.1401C>T (p.Ala467=)

Gene: ZBTB11 (zinc finger and BTB domain containing 11; minus strand). Cytogenetic location: 3q12.3.
Variant type: single nucleotide variant.
Coding change: c.1401C>T on transcript NM_014415.4 (MANE Select); coding-DNA position 1401, C replaced by T.
Protein change: p.Ala467=; no amino-acid change (alanine 467 retained).
Molecular consequence: synonymous variant.
Genome position (GRCh38, 1-based): chr3:101,665,186, G>A on the plus strand (C>T on the coding strand, the complement: ZBTB11 is on the minus strand). VCF-style: chr3-101665186-G-A. GRCh37 (hg19) VCF-style: chr3-101384030-G-A.
Identifiers: ClinVar variation 1701461 (VCV001701461.31), dbSNP rs148802535, ClinGen allele CA2521190.